The following is an entry in ClinVar:

NM_015506.2(MMACHC):c.[271dupA];[482G>A]

Variant type: CompoundHeterozygote.
Identifiers: ClinVar variation 424754 (VCV000424754.3).

ClinVar aggregate classification (germline): Likely pathogenic (1 of 4 stars; one submission).

Conditions:
Cobalamin C disease. Also called: Cobalamin-C methylmalonic acidemia and homocystinuria; Methylmalonic acidemia and homocystinuria cblC type; Methylmalonic aciduria and homocystinuria, Vitamin B12-responsive; Vitamin B12 metabolic defect with combined deficiency of methylmalonyl-CoA mutase and homocysteine:methyltetrahydrofolate methyltransferase; methylmalonic aciduria and homocystinuria type cblC; Methylmalonic aciduria with homocystinuria cblC type. Identifiers: Orphanet 26, Orphanet 79282, MedGen C1848561, MONDO:0010184, OMIM 277400.
Benign concentric annular macular dystrophy. Identifiers: Orphanet 251287, MedGen C5561925, MONDO:0007934, OMIM 153870.

Submission:

Lupski Lab, Baylor-Hopkins CMG, Baylor College of Medicine
Classification: Likely pathogenic for Cobalamin C disease; Bull's eye maculopathy. Last evaluated: 2015-10-30. Review status: criteria provided, single submitter. Criteria: Collison et al. (Opthalmic Genet. 2015). Collection method: research. Allele origin: inherited. Inheritance: Autosomal recessive inheritance. Affected: yes. Observed: 1 compound heterozygote.